The following is an entry in ClinVar:

NM_000059.4(BRCA2):c.6169G>T (p.Gly2057Ter)

Gene: BRCA2 (BRCA2 DNA repair associated; plus strand). Cytogenetic location: 13q13.1.
Variant type: single nucleotide variant.
Coding change: c.6169G>T on transcript NM_000059.4 (MANE Select); coding-DNA position 6169, G replaced by T.
Protein change: p.Gly2057Ter; replaces glycine 2057 with a stop codon.
Molecular consequence: nonsense.
Genome position (GRCh38, 1-based): chr13:32,340,524, G>T. VCF-style: chr13-32340524-G-T. GRCh37 (hg19) VCF-style: chr13-32914661-G-T.
Other names: short protein forms G2057*.
Identifiers: ClinVar variation 52023 (VCV000052023.6), dbSNP rs80358856, ClinGen allele CA023712.

ClinVar aggregate classification (germline): Pathogenic. Review status: reviewed by expert panel (3 of 4 stars). 4 submissions from 4 submitters: Pathogenic (1). 3 of the submissions do not count toward it. Last evaluated 2016-09-08.

Conditions:
Hereditary breast ovarian cancer syndrome. Also called: Hereditary breast and ovarian cancer syndrome; Hereditary breast and ovarian cancer; Hereditary breast and ovarian cancer syndrome (HBOC); Breast and ovarian cancer; Hereditary breast and/or ovarian cancer syndrome; BRCA1- and BRCA2-Associated Hereditary Breast and Ovarian Cancer. Identifiers: Orphanet 145, MedGen C0677776, MeSH D061325, MONDO:0003582. Disease mechanism: loss of function.
Breast-ovarian cancer, familial, susceptibility to, 2 (BROVCA2). Also called: BRCA2 Hereditary Breast and Ovarian Cancer. Identifiers: Orphanet 145, MedGen C2675520, MONDO:0012933, OMIM 612555. Disease mechanism: loss of function.

Submissions (4):

Evidence-based Network for the Interpretation of Germline Mutant Alleles (ENIGMA)
Classification: Pathogenic for Breast-ovarian cancer, familial, susceptibility to, 2. Last evaluated: 2016-09-08. Review status: reviewed by expert panel. Criteria: ENIGMA BRCA1/2 Classification Criteria (2015). Collection method: curation. Allele origin: germline.
Comment: Variant allele predicted to encode a truncated non-functional protein.

Labcorp Genetics (formerly Invitae), Labcorp
Classification: Pathogenic for Hereditary breast ovarian cancer syndrome. Last evaluated: 2025-04-21. Review status: criteria provided, single submitter. Criteria: Invitae Variant Classification Sherloc (09022015). Collection method: clinical testing. Allele origin: germline. Not counted in ClinVar's aggregate classification.
Comment: This sequence change creates a premature translational stop signal (p.Gly2057*) in the BRCA2 gene. It is expected to result in an absent or disrupted protein product. Loss-of-function variants in BRCA2 are known to be pathogenic (PMID: 20104584). This variant is not present in population databases (gnomAD no frequency). This premature translational stop signal has been observed in individual(s) with breast and ovarian cancer (PMID: 10449599). ClinVar contains an entry for this variant (Variation ID: 52023). For these reasons, this variant has been classified as Pathogenic.

Consortium of Investigators of Modifiers of BRCA1/2 (CIMBA), c/o University of Cambridge
Classification: Pathogenic for Breast-ovarian cancer, familial, susceptibility to, 2. Last evaluated: 2015-10-02. Review status: criteria provided, single submitter. Criteria: CIMBA Mutation Classification guidelines May 2016. Collection method: clinical testing. Allele origin: germline. Not counted in ClinVar's aggregate classification.

Breast Cancer Information Core (BIC) (BRCA2)
Classification: Pathogenic for Breast-ovarian cancer, familial 2. Last evaluated: 1999-06-22. Review status: no assertion criteria provided. Collection method: clinical testing. Allele origin: germline. Affected: yes. Observed: 2 variant alleles. Not counted in ClinVar's aggregate classification.

Literature cited by the submitters: PubMed 20104584 (cited by Labcorp Genetics (formerly Invitae), Labcorp); PubMed 10449599 (cited by Labcorp Genetics (formerly Invitae), Labcorp).